The following is an entry in ClinVar:

ClinVar aggregate classification (germline): Uncertain significance (1 of 4 stars; one submission).

Conditions:
Inborn genetic diseases. Identifiers: MedGen C0950123, MeSH D030342.

Submission:

Ambry Genetics
Classification: Uncertain significance for Inborn genetic diseases. Last evaluated: 2024-09-22. Review status: criteria provided, single submitter. Criteria: Ambry Variant Classification Scheme 2023. Collection method: clinical testing. Allele origin: germline.
Comment: The p.L151P variant (also known as c.452T>C), located in coding exon 5 of the BUB1B gene, results from a T to C substitution at nucleotide position 452. The leucine at codon 151 is replaced by proline, an amino acid with similar properties. This amino acid position is conserved. In addition, this alteration is predicted to be deleterious by in silico analysis. Based on the available evidence, the clinical significance of this variant remains unclear.

NM_001211.6(BUB1B):c.452T>C (p.Leu151Pro)

Gene: BUB1B (BUB1 mitotic checkpoint serine/threonine kinase B; plus strand). Cytogenetic location: 15q15.1.
Variant type: single nucleotide variant.
Coding change: c.452T>C on transcript NM_001211.6 (MANE Select); coding-DNA position 452, T replaced by C.
Protein change: p.Leu151Pro; replaces leucine 151 with proline.
Molecular consequence: missense variant.
Genome position (GRCh38, 1-based): chr15:40,176,544, T>C. VCF-style: chr15-40176544-T-C. GRCh37 (hg19) VCF-style: chr15-40468745-T-C.
Other names: short protein forms L151P.
Identifiers: ClinVar variation 3483140 (VCV003483140.1).